The following is an entry in ClinVar:

ClinVar aggregate classification (germline): Uncertain significance. Review status: criteria provided, multiple submitters, no conflicts (2 of 4 stars). 2 submissions from 2 submitters: Uncertain significance (2). Last evaluated 2026-05-18.

Conditions:
Hereditary cancer-predisposing syndrome. Also called: Hereditary Cancer Syndrome; Neoplastic Syndromes, Hereditary; Tumor predisposition; Hereditary neoplastic syndrome. Identifiers: Orphanet 140162, MedGen C0027672, MeSH D009386, MONDO:0015356.
Gorlin syndrome. Also called: Nevoid Basal Cell Carcinoma Syndrome; Basal cell nevus syndrome. Identifiers: Orphanet 377, MedGen C0004779, MONDO:0007187.

Allele frequency attached by ClinVar (database versions not stated): gnomAD exomes below 0.00001.
gnomAD v4.1: 1 of 1,562,902 alleles (0.000064%); highest among the groups gnomAD compares: Non-Finnish European, 0.000087%; no homozygotes.

Submissions (2):

Ambry Genetics
Classification: Uncertain significance for Hereditary cancer-predisposing syndrome. Last evaluated: 2026-05-18. Review status: criteria provided, single submitter. Criteria: Ambry Variant Classification Scheme 2023. Collection method: clinical testing. Allele origin: germline.
Comment: The p.P1201H variant (also known as c.3602C>A), located in coding exon 22 of the PTCH1 gene, results from a C to A substitution at nucleotide position 3602. The proline at codon 1201 is replaced by histidine, an amino acid with similar properties. This amino acid position is highly conserved in available vertebrate species. In addition, the in silico prediction for this alteration is inconclusive. Based on the available evidence, the clinical significance of this variant remains unclear.

Labcorp Genetics (formerly Invitae), Labcorp
Classification: Uncertain significance for Gorlin syndrome. Last evaluated: 2022-08-09. Review status: criteria provided, single submitter. Criteria: Invitae Variant Classification Sherloc (09022015). Collection method: clinical testing. Allele origin: germline.
Comment: ClinVar contains an entry for this variant (Variation ID: 962314). Advanced modeling of protein sequence and biophysical properties (such as structural, functional, and spatial information, amino acid conservation, physicochemical variation, residue mobility, and thermodynamic stability) performed at Invitae indicates that this missense variant is not expected to disrupt PTCH1 protein function. In summary, the available evidence is currently insufficient to determine the role of this variant in disease. Therefore, it has been classified as a Variant of Uncertain Significance. This variant has not been reported in the literature in individuals affected with PTCH1-related conditions. This variant is not present in population databases (gnomAD no frequency). This sequence change replaces proline, which is neutral and non-polar, with histidine, which is basic and polar, at codon 1201 of the PTCH1 protein (p.Pro1201His).

NM_000264.5(PTCH1):c.3602C>A (p.Pro1201His)

Gene: PTCH1 (patched 1; minus strand). Cytogenetic location: 9q22.32.
Variant type: single nucleotide variant.
Coding change: c.3602C>A on transcript NM_000264.5 (MANE Select); coding-DNA position 3602, C replaced by A.
Protein change: p.Pro1201His; replaces proline 1201 with histidine.
Molecular consequence: missense variant. On other transcripts: non-coding transcript variant (1).
Genome position (GRCh38, 1-based): chr9:95,449,271, G>T on the plus strand (C>A on the coding strand, the complement: PTCH1 is on the minus strand). VCF-style: chr9-95449271-G-T. GRCh37 (hg19) VCF-style: chr9-98211553-G-T.
Other names: c.3404C>A, p.Pro1135His (NM_001083602.3); c.3599C>A, p.Pro1200His (NM_001083603.3); c.3149C>A, p.Pro1050His (NM_001083604.3, NM_001083605.3, NM_001083606.3 and 1 more transcripts); c.3446C>A, p.Pro1149His (NM_001354918.2); short protein forms P1050H, P1135H, P1149H, P1200H, P1201H.
Identifiers: ClinVar variation 962314 (VCV000962314.11), dbSNP rs1838233041, ClinGen allele CA374111315.